The following is an entry in ClinVar:

ClinVar aggregate classification (germline): Benign. Review status: criteria provided, multiple submitters, no conflicts (2 of 4 stars). 6 submissions from 6 submitters: Benign (5). 1 of the submissions does not count toward it. Last evaluated 2026-02-02.

Conditions:
Vitamin B2 deficiency. Identifiers: MedGen C0035528.
SLC52A1-related disorder. Also called: SLC52A1-related condition.
Ariboflavinosis. Identifiers: MedGen C5779638, MONDO:0004573, OMIM 615026.

Allele frequency attached by ClinVar (database versions not stated): ESP Exome Variant Server 0.06312; 1000 Genomes Project 30x 0.06480; 1000 Genomes Project 0.06629.
gnomAD v4.1: 121,240 of 1,614,082 alleles (7.5%); highest among the groups gnomAD compares: Middle Eastern, 14%; 5,097 homozygotes.

Submissions (9):

Labcorp Genetics (formerly Invitae), Labcorp
Classification: Benign for Vitamin B2 deficiency. Last evaluated: 2026-02-02. Review status: criteria provided, single submitter. Criteria: Invitae Variant Classification Sherloc (09022015). Collection method: clinical testing. Allele origin: germline.

Mayo Clinic Laboratories, Mayo Clinic
Classification: Benign. Last evaluated: 2021-11-11. Review status: criteria provided, single submitter. Criteria: ACMG Guidelines, 2015. Collection method: clinical testing. Allele origin: germline. Observed: 12 variant alleles.

Genome-Nilou Lab
Classification: Benign for Ariboflavinosis. Last evaluated: 2021-07-15. Review status: criteria provided, single submitter. Criteria: ACMG Guidelines, 2015. Collection method: clinical testing. Allele origin: germline. Affected: no.

GeneDx
Classification: Benign. Last evaluated: 2018-07-31. Review status: criteria provided, single submitter. Criteria: GeneDx Variant Classification Process June 2021. Collection method: clinical testing. Allele origin: germline. Affected: yes.

Breakthrough Genomics
Classification: Benign. Review status: criteria provided, single submitter. Criteria: ACMG Guidelines, 2015. Collection method: not provided. Allele origin: germline. Inheritance: Autosomal dominant inheritance. Affected: yes.

PreventionGenetics, part of Exact Sciences
Classification: Benign for SLC52A1-related condition. Last evaluated: 2019-12-30. Review status: no assertion criteria provided. Collection method: clinical testing. Allele origin: germline. Not counted in ClinVar's aggregate classification.
Comment: This variant is classified as benign based on ACMG/AMP sequence variant interpretation guidelines (Richards et al. 2015 PMID: 25741868, with internal and published modifications).

Dr. Peter K. Rogan Lab, Western University
No classification provided (evidence only). Condition: Colorectal cancer. Review status: no classification provided. Collection method: in vitro. Allele origin: not applicable. Functional consequence: retained intron. Not counted in ClinVar's aggregate classification.

Dr. Peter K. Rogan Lab, Western University
No classification provided (evidence only). Condition: Malignant lymphoma, large B-cell, diffuse. Review status: no classification provided. Collection method: in vitro. Allele origin: not applicable. Functional consequence: retained intron. Not counted in ClinVar's aggregate classification.

Dr. Peter K. Rogan Lab, Western University
No classification provided (evidence only). Condition: Uterine carcinosarcoma. Review status: no classification provided. Collection method: in vitro. Allele origin: not applicable. Functional consequence: retained intron. Not counted in ClinVar's aggregate classification.

NM_017986.4(SLC52A1):c.433C>A (p.Arg145=)

Gene: SLC52A1 (solute carrier family 52 member 1; minus strand). Cytogenetic location: 17p13.2.
Variant type: single nucleotide variant.
Coding change: c.433C>A on transcript NM_017986.4 (MANE Select); coding-DNA position 433, C replaced by A.
Protein change: p.Arg145=; no amino-acid change (arginine 145 retained).
Molecular consequence: synonymous variant.
Genome position (GRCh38, 1-based): chr17:5,034,056, G>T on the plus strand (C>A on the coding strand, the complement: SLC52A1 is on the minus strand). VCF-style: chr17-5034056-G-T. GRCh37 (hg19) VCF-style: chr17-4937351-G-T.
Other names: p.Arg145=; c.433C>A, p.Arg145= (NM_001104577.2); c.433C>A (NM_001104577.1).
Identifiers: ClinVar variation 1164599 (VCV001164599.20), dbSNP rs56126318, ClinGen allele CA8319792.